The following is an entry in ClinVar:

ClinVar aggregate classification (germline): Pathogenic. Review status: criteria provided, multiple submitters, no conflicts (2 of 4 stars). 3 submissions from 3 submitters: Pathogenic (2). 1 of the submissions does not count toward it. Last evaluated 2024-11-18.

Conditions:
Cardiovascular phenotype. Identifiers: MedGen CN230736.
Hypertrophic cardiomyopathy 7. Also called: CARDIOMYOPATHY, FAMILIAL HYPERTROPHIC, 7, MODIFIER OF; TNNI3-Related Familial Hypertrophic Cardiomyopathy; Familial hypertrophic cardiomyopathy 7. Identifiers: MedGen C1860752, MONDO:0013369, OMIM 613690.
Hypertrophic cardiomyopathy. Also called: HYPERTROPHIC MYOCARDIOPATHY. Identifiers: Orphanet 217569, MedGen C0007194, MeSH D002312, MONDO:0005045, HP:0001639.

Submissions (3):

Labcorp Genetics (formerly Invitae), Labcorp
Classification: Pathogenic for Hypertrophic cardiomyopathy. Last evaluated: 2024-11-18. Review status: criteria provided, single submitter. Criteria: Invitae Variant Classification Sherloc (09022015). Collection method: clinical testing. Allele origin: germline.
Comment: This sequence change replaces arginine, which is basic and polar, with cysteine, which is neutral and slightly polar, at codon 21 of the TNNI3 protein (p.Arg21Cys). This variant is not present in population databases (gnomAD no frequency). This missense change has been observed in individual(s) with hypertrophic cardiomyopathy (PMID: 16267253, 24111713, 31737537, 32885985). It has also been observed to segregate with disease in related individuals. ClinVar contains an entry for this variant (Variation ID: 12434). Algorithms developed to predict the effect of variants on gene product structure and function are not available or were not evaluated for this variant. Experimental studies have shown that this missense change affects TNNI3 function (PMID: 22086914, 25961037, 26391394). For these reasons, this variant has been classified as Pathogenic.

Ambry Genetics
Classification: Pathogenic for Cardiovascular phenotype. Last evaluated: 2021-03-01. Review status: criteria provided, single submitter. Criteria: Ambry Variant Classification Scheme 2023. Collection method: clinical testing. Allele origin: germline.
Comment: The p.R21C variant (also known as c.61C>T), located in coding exon 3 of the TNNI3 gene, results from a C to T substitution at nucleotide position 61. The arginine at codon 21 is replaced by cysteine, an amino acid with highly dissimilar properties. This variant has been detected in hypertrophic cardiomyopathy (HCM) cohorts (Berge KE et al. Clin Genet, 2014 Oct;86:355-60; Fahed AC et al. Circ Genom Precis Med, 2020 Oct;13:444-452), and it has been found to segregate with HCM and sudden cardiac death among multiple unrelated South Lebanese families (Fahed AC et al. Circ Genom Precis Med, 2020 Oct;13:444-452). Additionally, functional studies show that this alteration impacts protein function by altering phosphorylation and calcium sensitivity, which may lead to the development of a cardiomyopathy phenotype (Gomes AV et al. J Mol Cell Cardiol, 2005 Nov;39:754-65; Wang Y et al. J Biol Chem, 2012 Jan;287:2156-67; Dweck D et al. J Biol Chem, 2014 Aug;289:23097-111; Cheng Y et al. J Biol Chem, 2015 Nov;290:27749-66; Liang J et al. Biomed Res Int, 2015 Apr;2015:742536). Based on the supporting evidence, this alteration is interpreted as a disease-causing mutation.

OMIM
Classification: Pathogenic for CARDIOMYOPATHY, FAMILIAL HYPERTROPHIC, 7. Last evaluated: 2005-11-01. Review status: no assertion criteria provided. Collection method: literature only. Allele origin: germline. Not counted in ClinVar's aggregate classification.

Literature cited by the submitters: PubMed 16267253 (cited by Labcorp Genetics (formerly Invitae), Labcorp and OMIM); PubMed 24111713 (cited by Labcorp Genetics (formerly Invitae), Labcorp and Ambry Genetics); PubMed 31737537 (cited by Labcorp Genetics (formerly Invitae), Labcorp); PubMed 32885985 (cited by Labcorp Genetics (formerly Invitae), Labcorp and Ambry Genetics); PubMed 22086914 (cited by Labcorp Genetics (formerly Invitae), Labcorp and Ambry Genetics); PubMed 25961037 (cited by Labcorp Genetics (formerly Invitae), Labcorp and Ambry Genetics); PubMed 26391394 (cited by Labcorp Genetics (formerly Invitae), Labcorp and Ambry Genetics); PubMed 16005017 (cited by Ambry Genetics); PubMed 24973218 (cited by Ambry Genetics).

NM_000363.5(TNNI3):c.61C>T (p.Arg21Cys)

Gene: TNNI3 (troponin I3, cardiac type; minus strand). Cytogenetic location: 19q13.42.
Variant type: single nucleotide variant.
Coding change: c.61C>T on transcript NM_000363.5 (MANE Select); coding-DNA position 61, C replaced by T.
Protein change: p.Arg21Cys; replaces arginine 21 with cysteine.
Molecular consequence: missense variant.
Genome position (GRCh38, 1-based): chr19:55,157,097, G>A on the plus strand (C>T on the coding strand, the complement: TNNI3 is on the minus strand). VCF-style: chr19-55157097-G-A. GRCh37 (hg19) VCF-style: chr19-55668465-G-A.
Other names: c.61C>T, p.Arg21Cys (LRG_432t1); short protein forms R21C.
Identifiers: ClinVar variation 12434 (VCV000012434.10), dbSNP rs267607128, ClinGen allele CA022092.